The following is an entry in ClinVar:

ClinVar aggregate classification (germline): Uncertain significance (1 of 4 stars; one submission).

Submission:

GeneDx
Classification: Uncertain significance. Last evaluated: 2024-05-16. Review status: criteria provided, single submitter. Criteria: GeneDx Variant Classification Process June 2021. Collection method: clinical testing. Allele origin: germline. Affected: yes.
Comment: Not observed at significant frequency in large population cohorts (gnomAD); In silico analysis indicates that this missense variant does not alter protein structure/function; Has not been previously published as pathogenic or benign to our knowledge

NM_003128.3(SPTBN1):c.5788G>A (p.Val1930Ile)

Gene: SPTBN1 (spectrin beta, non-erythrocytic 1; plus strand). Cytogenetic location: 2p16.2.
Variant type: single nucleotide variant.
Coding change: c.5788G>A on transcript NM_003128.3 (MANE Select); coding-DNA position 5788, G replaced by A.
Protein change: p.Val1930Ile; replaces valine 1930 with isoleucine.
Molecular consequence: missense variant.
Genome position (GRCh38, 1-based): chr2:54,653,819, G>A. VCF-style: chr2-54653819-G-A. GRCh37 (hg19) VCF-style: chr2-54880956-G-A.
Other names: c.5749G>A, p.Val1917Ile (NM_178313.3); short protein forms V1917I, V1930I.
Identifiers: ClinVar variation 3377917 (VCV003377917.1).